The following is an entry in ClinVar:

ClinVar aggregate classification (germline): Uncertain significance (1 of 4 stars; one submission).

Conditions:
Inborn genetic diseases. Identifiers: MedGen C0950123, MeSH D030342.

gnomAD v4.1: 5 of 1,611,212 alleles (0.00031%); highest among the groups gnomAD compares: South Asian, 0.0011%; no homozygotes.

Submission:

Ambry Genetics
Classification: Uncertain significance for Inborn genetic diseases. Last evaluated: 2024-12-29. Review status: criteria provided, single submitter. Criteria: Ambry Variant Classification Scheme 2023. Collection method: clinical testing. Allele origin: germline.
Comment: The p.R11Q variant (also known as c.32G>A), located in coding exon 1 of the PAX5 gene, results from a G to A substitution at nucleotide position 32. The arginine at codon 11 is replaced by glutamine, an amino acid with highly similar properties. This amino acid position is conserved. In addition, this alteration is predicted to be deleterious by in silico analysis. Based on the available evidence, the clinical significance of this variant remains unclear.

NM_016734.3(PAX5):c.32G>A (p.Arg11Gln)

Gene: PAX5 (paired box 5; minus strand). Cytogenetic location: 9p13.2.
Variant type: single nucleotide variant.
Coding change: c.32G>A on transcript NM_016734.3 (MANE Select); coding-DNA position 32, G replaced by A.
Protein change: p.Arg11Gln; replaces arginine 11 with glutamine.
Molecular consequence: missense variant. On other transcripts: 5 prime UTR variant (2), non-coding transcript variant (2).
Genome position (GRCh38, 1-based): chr9:37,034,000, C>T on the plus strand (G>A on the coding strand, the complement: PAX5 is on the minus strand). VCF-style: chr9-37034000-C-T. GRCh37 (hg19) VCF-style: chr9-37033997-C-T.
Other names: c.32G>A, p.Arg11Gln (NM_001280547.2, NM_001280548.2, NM_001280549.2 and 5 more transcripts); c.-127G>A (NM_001280551.2, NM_001280556.2); short protein forms R11Q.
Identifiers: ClinVar variation 3885904 (VCV003885904.1).